The following is an entry in ClinVar:

NM_005802.5(TOPORS):c.1389C>T (p.Thr463=)

Gene: TOPORS (TOP1 binding arginine/serine rich protein, E3 ubiquitin ligase; minus strand). Cytogenetic location: 9p21.1.
Variant type: single nucleotide variant.
Coding change: c.1389C>T on transcript NM_005802.5 (MANE Select); coding-DNA position 1389, C replaced by T.
Protein change: p.Thr463=; no amino-acid change (threonine 463 retained).
Molecular consequence: synonymous variant.
Genome position (GRCh38, 1-based): chr9:32,543,136, G>A on the plus strand (C>T on the coding strand, the complement: TOPORS is on the minus strand). VCF-style: chr9-32543136-G-A. GRCh37 (hg19) VCF-style: chr9-32543134-G-A.
Other names: c.1194C>T, p.Thr398= (NM_001195622.2).
Identifiers: ClinVar variation 913452 (VCV000913452.14), dbSNP rs61758063, ClinGen allele CA5020528.
Genomic context (GRCh38, chr9:32,543,136, plus strand): 5'-AAACCCAACAATGACACAATTATCTGAAGAATCATCACTGTCATTATTTAGGTCGTCATT[G>A]GTTTGTACTCCTTGTATCTGAGACGTGGCTCCTCCTGTGACAAGTTCTTCATCTGAACTG-3'
Protein context (NP_005793.2, residues 453-473): GATSQIQGVQ[Thr463=]NDDLNNDSDD

ClinVar aggregate classification (germline): Benign/Likely benign. Review status: criteria provided, multiple submitters, no conflicts (2 of 4 stars). 4 submissions from 4 submitters: Benign (1); Likely benign (3). Last evaluated 2025-09-10.

Conditions:
TOPORS-related disorder. Also called: TOPORS-related condition.
Retinitis pigmentosa (RP). Identifiers: Orphanet 791, MedGen C0035334, MeSH D012174, MONDO:0019200, OMIM 268000. Inheritance: Autosomal dominant, autosomal recessive and X linked inheritance.

Allele frequency attached by ClinVar (database versions not stated): gnomAD 0.00021; TOPMed 0.00022; ESP Exome Variant Server 0.00031; gnomAD exomes 0.00042 and 0.00047; ExAC 0.00077.

Submissions (4):

Labcorp Genetics (formerly Invitae), Labcorp
Classification: Benign. Last evaluated: 2025-09-10. Review status: criteria provided, single submitter. Criteria: Invitae Variant Classification Sherloc (09022015). Collection method: clinical testing. Allele origin: germline.

PreventionGenetics, part of Exact Sciences
Classification: Likely benign for TOPORS-related condition. Last evaluated: 2025-07-08. Review status: criteria provided, single submitter. Criteria: ACMG Guidelines, 2015. Collection method: clinical testing. Allele origin: germline.
Comment: This variant is classified as likely benign based on ACMG/AMP sequence variant interpretation guidelines (Richards et al. 2015 PMID: 25741868, with internal and published modifications).

Blueprint Genetics
Classification: Likely benign. Last evaluated: 2024-10-30. Review status: criteria provided, single submitter. Criteria: ACMG Guidelines, 2015. Collection method: clinical testing. Allele origin: germline.

Illumina Laboratory Services, Illumina
Classification: Likely benign for Retinitis pigmentosa. Last evaluated: 2018-01-13. Review status: criteria provided, single submitter. Criteria: ICSL Variant Classification Criteria 13 December 2019. Collection method: clinical testing. Allele origin: germline.
Comment: This variant was observed in the ICSL laboratory as part of a predisposition screen in an ostensibly healthy population. It had not been previously curated by ICSL or reported in the Human Gene Mutation Database (HGMD: prior to June 1st, 2018), and was therefore a candidate for classification through an automated scoring system. Utilizing variant allele frequency, disease prevalence and penetrance estimates, and inheritance mode, an automated score was calculated to assess if this variant is too frequent to cause the disease. Based on the score and internal cut-off values, a variant classified as likely benign is not then subjected to further curation. The score for this variant resulted in a classification of likely benign for this disease.